The following is an entry in ClinVar:

NM_005633.4(SOS1):c.1656G>C (p.Arg552Ser)

Gene: SOS1 (SOS Ras/Rac guanine nucleotide exchange factor 1; minus strand). Cytogenetic location: 2p22.1.
Variant type: single nucleotide variant.
Coding change: c.1656G>C on transcript NM_005633.4 (MANE Select); coding-DNA position 1656, G replaced by C.
Protein change: p.Arg552Ser; replaces arginine 552 with serine.
Molecular consequence: missense variant.
Genome position (GRCh38, 1-based): chr2:39,022,772, C>G on the plus strand (G>C on the coding strand, the complement: SOS1 is on the minus strand). VCF-style: chr2-39022772-C-G. GRCh37 (hg19) VCF-style: chr2-39249913-C-G.
Other names: p.R552S:AGG>AGC; NM_005633.3(SOS1):c.1656G>C; NM_005633.4(SOS1):c.1656G>C; c.1635G>C, p.Arg545Ser (NM_001382394.1); c.1656G>C, p.Arg552Ser (NM_001382395.1); short protein forms R552S, R545S.
Identifiers: ClinVar variation 12872 (VCV000012872.43), dbSNP rs267607079, ClinGen allele CA256580.

ClinVar aggregate classification (germline): Pathogenic. Review status: reviewed by expert panel (3 of 4 stars). 15 submissions from 15 submitters: Pathogenic (1). 14 of the submissions do not count toward it. Last evaluated 2025-01-10.

Conditions:
SOS1-related disorder. Also called: SOS1-related condition.
Noonan syndrome and Noonan-related syndrome. Identifiers: Orphanet 98733, MedGen C5681679, MONDO:0020297.
Noonan syndrome (NS). Also called: Noonan's syndrome. Identifiers: Orphanet 648, MedGen C0028326, MeSH D009634, MONDO:0018997. Disease mechanism: gain of function.
Fibromatosis, gingival, 1 (GINGF1). Identifiers: Orphanet 2024, MedGen C4551558, MONDO:0007609, OMIM 135300.
Noonan syndrome 4 (NS4). Also called: SOS1-Related Noonan Syndrome; NOONAN SYNDROME WITH PIGMENTED VILLONODULAR SYNOVITIS. Identifiers: Orphanet 648, MedGen C1853120, MONDO:0012547, OMIM 610733.
RASopathy. Also called: rasopathies; Noonan spectrum disorder. Identifiers: Orphanet 536391, MedGen C5555857, MONDO:0021060.
Noonan syndrome 1 (NS1). Also called: PTPN11-Related Noonan Syndrome; FEMALE PSEUDO-TURNER SYNDROME; TURNER PHENOTYPE WITH NORMAL KARYOTYPE. Identifiers: Orphanet 648, MedGen C4551602, MONDO:0008104, OMIM 163950. Disease mechanism: gain of function.

gnomAD v4.1: 2 of 1,613,648 alleles (0.00012%); highest among the groups gnomAD compares: Non-Finnish European, 0.00017%; no homozygotes.

Submissions 1 to 11 of 15:

ClinGen RASopathy Variant Curation Expert Panel
Classification: Pathogenic for RASopathy. Last evaluated: 2025-01-10. Review status: reviewed by expert panel. Criteria: ClinGen RASopathy ACMG Specifications SOS1 V2.3.0. Collection method: curation. Allele origin: germline. Inheritance: Autosomal dominant inheritance.
Comment: The NM_005633.4:c.1656G>C variant in SOS1 is a missense variant predicted to cause substitution of arginine by serine at amino acid 552 (p.Arg552Ser). This variant was absent from gnomAD v2.1.1 (PM2_Supporting). The computational prediction tool REVEL gives a score of 0.863, suggesting that the p.Arg552Ser variant may impact protein function (PP3). Five different (likely) pathogenic variants at this residue (Arg552Gly, Arg552Lys, Arg552Met, Arg552Thr, Arg552Trp) have been identified in several patients with RASopathies (PM5_Strong). This variant has been reported in at least 8 patients with clinical features of a RASopathy, of which 2 were reported as confirmed de novo occurrences and 1 was assumed to be de novo (PS4, PS2_VeryStrong; PMIDs:17143282, 19352411, 18651097, 18925667, 1902079). In vitro functional studies showed that the p.Arg552Ser variant led to increased ERK1/2 phosphorylation (PS3_Supporting; PMID: 27304678). In summary, this variant meets criteria to be classified as pathogenic for autosomal dominant RASopathy based on the ACMG/AMP criteria as specified by the ClinGen RASopathy Variant Curation Expert Panel: PS2_VeryStrong, PS4, PM5_Strong, PS3_Supporting PM2_Supporting, PP3 (Specification Version 2.3, 1/10/2025)

Labcorp Genetics (formerly Invitae), Labcorp
Classification: Pathogenic for RASopathy. Last evaluated: 2025-08-09. Review status: criteria provided, single submitter. Criteria: Invitae Variant Classification Sherloc (09022015). Collection method: clinical testing. Allele origin: germline. Not counted in ClinVar's aggregate classification.
Comment: This sequence change replaces arginine, which is basic and polar, with serine, which is neutral and polar, at codon 552 of the SOS1 protein (p.Arg552Ser). This variant is not present in population databases (gnomAD no frequency). This missense change has been observed in individual(s) with Noonan syndrome (PMID: 17143282, 17586837, 18651097, 18854871, 19020799, 19352411, 21387466, 22190897, 23885229, 24037001). In at least one individual the variant was observed to be de novo. ClinVar contains an entry for this variant (Variation ID: 12872). Invitae Evidence Modeling of protein sequence and biophysical properties (such as structural, functional, and spatial information, amino acid conservation, physicochemical variation, residue mobility, and thermodynamic stability) has been performed for this missense variant. However, the output from this modeling did not meet the statistical confidence thresholds required to predict the impact of this variant on SOS1 protein function. For these reasons, this variant has been classified as Pathogenic.

Department of Genetics, Rouen University Hospital, Normandy Center for Genomic and Personalized Medicine
Classification: Pathogenic for Noonan syndrome 4. Last evaluated: 2025-06-04. Review status: criteria provided, single submitter. Criteria: ACMG Guidelines, 2015. Collection method: clinical testing. Allele origin: de novo. Affected: yes. Not counted in ClinVar's aggregate classification.

Institute of Human Genetics, University of Leipzig Medical Center
Classification: Pathogenic for Noonan syndrome 1. Last evaluated: 2025-04-22. Review status: criteria provided, single submitter. Criteria: ACMG Guidelines, 2015. Collection method: clinical testing. Allele origin: unknown. Inheritance: Autosomal dominant inheritance. Affected: yes. Not counted in ClinVar's aggregate classification.
Comment: Criteria applied: PS2_VSTR,PS4,PM1_STR,PS3_SUP,PP3

Genomic Medicine Center of Excellence, King Faisal Specialist Hospital and Research Centre
Classification: Pathogenic for Noonan syndrome 4. Last evaluated: 2025-04-04. Review status: criteria provided, single submitter. Criteria: ACMG Guidelines, 2015. Collection method: clinical testing. Allele origin: germline. Not counted in ClinVar's aggregate classification.

GeneDx
Classification: Pathogenic. Last evaluated: 2023-10-25. Review status: criteria provided, single submitter. Criteria: GeneDx Variant Classification Process June 2021. Collection method: clinical testing. Allele origin: germline. Affected: yes. Not counted in ClinVar's aggregate classification.
Comment: Missense variants in this gene are a common cause of disease and they are underrepresented in the general population; Not observed in large population cohorts (gnomAD); In silico analysis supports that this missense variant has a deleterious effect on protein structure/function; This variant is associated with the following publications: (PMID: 21387466, 22848035, 29696744, 19352411, 24803665, 22190897, 22465605, 25862627, 19020799, 21784453, 30417923, 30050098, 29907801, 31560489, 34643321, 29493581, 20648242, 17143282, 12628188, 32668031, 18854871)

Women's Health and Genetics/Laboratory Corporation of America, LabCorp
Classification: Pathogenic for RASopathy. Last evaluated: 2021-09-08. Review status: criteria provided, single submitter. Criteria: LabCorp Variant Classification Summary - May 2015. Collection method: clinical testing. Allele origin: germline. Not counted in ClinVar's aggregate classification.
Comment: Variant summary: SOS1 c.1656G>C (p.Arg552Ser) results in a non-conservative amino acid change in the encoded protein sequence. Five of five in-silico tools predict a damaging effect of the variant on protein function. The variant was absent in 250906 control chromosomes (gnomAD). p.Arg552Ser has been reported in the literature in multiple individuals affected with Noonan Syndrome, including at least two with confirmed de novo occurrence (e.g. Tartaglia_2007, Zenker_2007, Beneteau_2009, Lepri_2011, Croonen_2013). Several other missense variants at this amino acid residue (p.Arg552Gly, p.Arg552Lys, p.Arg552Met, p.Arg552Thr, p.Arg552Trp) have been reported in association with Noonan syndrome, indicating the functional importance of p.Arg552 residue, which has been defined as a hotspot for variation by the ClinGen RASopathy Variant Curation Expert Panel (PMID 29493581). These data indicate that the variant is very likely to be associated with disease. Six ClinVar submitters, including the ClinGen RASopathy Variant Curation Expert Panel, (evaluation after 2014) cite the variant as pathogenic. Based on the evidence outlined above, the variant was classified as pathogenic.

Genome Diagnostics Laboratory, The Hospital for Sick Children
Classification: Pathogenic for Noonan syndrome and Noonan-related syndrome. Last evaluated: 2020-04-01. Review status: criteria provided, single submitter. Criteria: ACMG Guidelines, 2015. Collection method: clinical testing. Allele origin: germline. Affected: yes. Not counted in ClinVar's aggregate classification.

Fulgent Genetics
Classification: Pathogenic for Fibromatosis, gingival, 1; Noonan syndrome 4. Last evaluated: 2018-10-31. Review status: criteria provided, single submitter. Criteria: ACMG Guidelines, 2015. Collection method: clinical testing. Allele origin: unknown. Not counted in ClinVar's aggregate classification.

Blueprint Genetics
Classification: Pathogenic for SOS1-related disorders. Last evaluated: 2018-08-31. Review status: criteria provided, single submitter. Criteria: ACMG Guidelines, 2015. Collection method: clinical testing. Allele origin: germline. Affected: yes. Observed: 1 variant allele. Not counted in ClinVar's aggregate classification.

Laboratory for Molecular Medicine, Mass General Brigham Personalized Medicine
Classification: Pathogenic for Noonan syndrome. Last evaluated: 2013-09-24. Review status: criteria provided, single submitter. Criteria: LMM Criteria. Collection method: clinical testing. Allele origin: germline. Inheritance: Autosomal dominant inheritance. Observed: 2 variant alleles. Not counted in ClinVar's aggregate classification.
Comment: The Arg552Ser variant in SOS1 has been identified in 7 individuals with either t he clinical features of Noonan syndrome or Noonan syndrome associated with multi ple giant-cell lesions, and occurred de novo in one of these individuals (Slezak 2010, Beneteau 2009, Tartaglia 2007, LMM unpublished data). This variant has al so not been identified in large population studies. In addition, multiple other variants affecting this position (Arg552Gly, Arg552Lys, Arg552Met, Arg552Thr) ha ve been reported in individuals with Noonan syndrome, and functional studies sho wed that another variant at the same position (Arg552Gly) caused increased and p rolonged RAS activation (Tartaglia 2007). In summary, the Arg552Ser variant meet s our criteria to be classified as pathogenic ba sed on de novo occurrence, absence from controls, and supporting functional evid ence.